The following is an entry in ClinVar:

NM_032806.6(POMGNT2):c.652G>A (p.Ala218Thr)

Gene: POMGNT2 (protein O-linked mannose N-acetylglucosaminyltransferase 2 (beta 1,4-); minus strand). Cytogenetic location: 3p22.1.
Variant type: single nucleotide variant.
Coding change: c.652G>A on transcript NM_032806.6 (MANE Select); coding-DNA position 652, G replaced by A.
Protein change: p.Ala218Thr; replaces alanine 218 with threonine.
Molecular consequence: missense variant.
Genome position (GRCh38, 1-based): chr3:43,080,780, C>T on the plus strand (G>A on the coding strand, the complement: POMGNT2 is on the minus strand). VCF-style: chr3-43080780-C-T. GRCh37 (hg19) VCF-style: chr3-43122272-C-T.
Other names: short protein forms A218T.
Identifiers: ClinVar variation 579837 (VCV000579837.3), dbSNP rs1559414478, ClinGen allele CA352302794.

ClinVar aggregate classification (germline): Uncertain significance (1 of 4 stars; one submission).

Conditions:
Muscular dystrophy-dystroglycanopathy (congenital with brain and eye anomalies), type a, 8 (MDDGA8). Also called: WALKER-WARBURG SYNDROME OR MUSCLE-EYE-BRAIN DISEASE, GTDC2-RELATED. Identifiers: Orphanet 899, MedGen C3553813, MONDO:0013904, OMIM 614830.

Allele frequency attached by ClinVar (database versions not stated): gnomAD exomes 0.00001.
gnomAD v4.1: 3 of 1,614,094 alleles (0.00019%); highest among the groups gnomAD compares: East Asian, 0.0067%; no homozygotes.

Submission:

Labcorp Genetics (formerly Invitae), Labcorp
Classification: Uncertain significance for Muscular dystrophy-dystroglycanopathy (congenital with brain and eye anomalies), type a, 8. Last evaluated: 2022-07-18. Review status: criteria provided, single submitter. Criteria: Invitae Variant Classification Sherloc (09022015). Collection method: clinical testing. Allele origin: germline.
Comment: In summary, the available evidence is currently insufficient to determine the role of this variant in disease. Therefore, it has been classified as a Variant of Uncertain Significance. Algorithms developed to predict the effect of missense changes on protein structure and function (SIFT, PolyPhen-2, Align-GVGD) all suggest that this variant is likely to be tolerated. ClinVar contains an entry for this variant (Variation ID: 579837). This variant has not been reported in the literature in individuals affected with POMGNT2-related conditions. This variant is not present in population databases (gnomAD no frequency). This sequence change replaces alanine, which is neutral and non-polar, with threonine, which is neutral and polar, at codon 218 of the POMGNT2 protein (p.Ala218Thr).